The following is an entry in ClinVar:

NM_001278116.2(L1CAM):c.502del (p.Arg168fs)

Gene: L1CAM (L1 cell adhesion molecule; minus strand). Cytogenetic location: Xq28.
Variant type: Deletion.
Coding change: c.502del on transcript NM_001278116.2 (MANE Select); coding-DNA position 502, one base deleted (C; older notation c.502delC).
Protein change: p.Arg168fs; shifts the reading frame from arginine 168.
Molecular consequence: frameshift variant.
Genome position (GRCh38, 1-based): chrX:153,871,078, G deleted on the plus strand (C on the coding strand, the reverse complement: L1CAM is on the minus strand); the first of 2 consecutive G bases (chrX:153,871,078-153,871,079); deleting either gives the same sequence. VCF-style (leftmost placement, unchanged base first): chrX-153871077-CG-C. GRCh37 (hg19) VCF-style: chrX-153136532-CG-C.
Other names: c.502del, p.Arg168fs (NM_000425.5, NM_024003.3); c.487del, p.Arg163fs (NM_001143963.2); c.502delC (NM_000425.3); c.502del (NM_000425.3); short protein forms R163fs, R168fs.
Identifiers: ClinVar variation 431824 (VCV000431824.4), dbSNP rs1557092994, ClinGen allele CA645373316.

ClinVar aggregate classification (germline): Pathogenic (1 of 4 stars; one submission).

Submission:

GeneDx
Classification: Pathogenic. Last evaluated: 2025-04-04. Review status: criteria provided, single submitter. Criteria: GeneDx Variant Classification Process June 2021. Collection method: clinical testing. Allele origin: germline. Affected: yes.
Comment: Frameshift variant predicted to result in protein truncation or nonsense mediated decay in a gene for which loss-of-function is a known mechanism of disease; Not observed at significant frequency in large population cohorts (gnomAD); Has not been previously published as pathogenic or benign to our knowledge